The following is an entry in ClinVar:

ClinVar aggregate classification (germline): Uncertain significance. Review status: criteria provided, multiple submitters, no conflicts (2 of 4 stars). 2 submissions from 2 submitters: Uncertain significance (2). Last evaluated 2024-04-17.

Conditions:
Inborn genetic diseases. Identifiers: MedGen C0950123, MeSH D030342.

Allele frequency attached by ClinVar (database versions not stated): gnomAD 0.00001; TOPMed 0.00002.

Submissions (2):

Labcorp Genetics (formerly Invitae), Labcorp
Classification: Uncertain significance. Last evaluated: 2024-04-17. Review status: criteria provided, single submitter. Criteria: Invitae Variant Classification Sherloc (09022015). Collection method: clinical testing. Allele origin: germline.
Comment: This sequence change replaces valine, which is neutral and non-polar, with isoleucine, which is neutral and non-polar, at codon 39 of the MBD4 protein (p.Val39Ile). This variant is not present in population databases (gnomAD no frequency). This variant has not been reported in the literature in individuals affected with MBD4-related conditions. Algorithms developed to predict the effect of missense changes on protein structure and function output the following: SIFT: "Not Available"; PolyPhen-2: "Benign"; Align-GVGD: "Not Available". The isoleucine amino acid residue is found in multiple mammalian species, which suggests that this missense change does not adversely affect protein function. In summary, the available evidence is currently insufficient to determine the role of this variant in disease. Therefore, it has been classified as a Variant of Uncertain Significance.

Ambry Genetics
Classification: Uncertain significance for Inborn genetic diseases. Last evaluated: 2024-02-26. Review status: criteria provided, single submitter. Criteria: Ambry Variant Classification Scheme 2023. Collection method: clinical testing. Allele origin: germline.

NM_001276270.2(MBD4):c.115G>A (p.Val39Ile)

Gene: MBD4 (methyl-CpG binding domain 4, DNA glycosylase; minus strand). Cytogenetic location: 3q21.3.
Variant type: single nucleotide variant.
Coding change: c.115G>A on transcript NM_001276270.2 (MANE Select); coding-DNA position 115, G replaced by A.
Protein change: p.Val39Ile; replaces valine 39 with isoleucine.
Molecular consequence: missense variant.
Genome position (GRCh38, 1-based): chr3:129,437,940, C>T on the plus strand (G>A on the coding strand, the complement: MBD4 is on the minus strand). VCF-style: chr3-129437940-C-T. GRCh37 (hg19) VCF-style: chr3-129156783-C-T.
Other names: c.115G>A, p.Val39Ile (NM_001276271.2, NM_001276272.2, NM_001276273.2 and 1 more transcripts); short protein forms V39I.
Identifiers: ClinVar variation 3124042 (VCV003124042.3), dbSNP rs1456821807, ClinGen allele CA354468769.